The following is an entry in ClinVar:

ClinVar aggregate classification (germline): Benign/Likely benign. Review status: criteria provided, multiple submitters, no conflicts (2 of 4 stars). 3 submissions from 3 submitters: Benign (1); Likely benign (1). 1 of the submissions does not count toward it. Last evaluated 2026-02-01.

Conditions:
SLCO5A1-related disorder. Also called: SLCO5A1-related condition.

Allele frequency attached by ClinVar (database versions not stated): 1000 Genomes Project 30x 0.00078; 1000 Genomes Project 0.00080; ESP Exome Variant Server 0.00115.
gnomAD v4.1: 3,014 of 1,613,898 alleles (0.19%); highest among the groups gnomAD compares: Middle Eastern, 0.26%; 8 homozygotes.

Submissions (7):

Labcorp Genetics (formerly Invitae), Labcorp
Classification: Likely benign. Last evaluated: 2026-02-01. Review status: criteria provided, single submitter. Criteria: Invitae Variant Classification Sherloc (09022015). Collection method: clinical testing. Allele origin: germline.

CeGaT Center for Human Genetics Tuebingen
Classification: Benign. Last evaluated: 2025-12-01. Review status: criteria provided, single submitter. Criteria: CeGaT Center For Human Genetics Tuebingen Variant Classification Criteria Version 2. Collection method: clinical testing. Allele origin: germline. Affected: yes. Observed: 1 variant allele.
Comment: SLCO5A1: BS1, BS2

PreventionGenetics, part of Exact Sciences
Classification: Likely benign for SLCO5A1-related condition. Last evaluated: 2022-12-28. Review status: no assertion criteria provided. Collection method: clinical testing. Allele origin: germline. Not counted in ClinVar's aggregate classification.
Comment: This variant is classified as likely benign based on ACMG/AMP sequence variant interpretation guidelines (Richards et al. 2015 PMID: 25741868, with internal and published modifications).

Dr. Peter K. Rogan Lab, Western University
No classification provided (evidence only). Condition: Clear cell carcinoma of kidney. Review status: no classification provided. Collection method: in vitro. Allele origin: not applicable. Functional consequence: retained intron. Not counted in ClinVar's aggregate classification.

Dr. Peter K. Rogan Lab, Western University
No classification provided (evidence only). Condition: Clear cell carcinoma of kidney. Review status: no classification provided. Collection method: in vitro. Allele origin: not applicable. Functional consequence: skipped exon. Not counted in ClinVar's aggregate classification.

Dr. Peter K. Rogan Lab, Western University
No classification provided (evidence only). Condition: Familial cancer of breast. Review status: no classification provided. Collection method: in vitro. Allele origin: not applicable. Functional consequence: retained intron. Not counted in ClinVar's aggregate classification.

Dr. Peter K. Rogan Lab, Western University
No classification provided (evidence only). Condition: Thyroid cancer, nonmedullary, 1. Review status: no classification provided. Collection method: in vitro. Allele origin: not applicable. Functional consequence: retained intron. Not counted in ClinVar's aggregate classification.

NM_030958.3(SLCO5A1):c.1072A>G (p.Met358Val)

Gene: SLCO5A1 (solute carrier organic anion transporter family member 5A1; minus strand). Cytogenetic location: 8q13.3.
Variant type: single nucleotide variant.
Coding change: c.1072A>G on transcript NM_030958.3 (MANE Select); coding-DNA position 1072, A replaced by G.
Protein change: p.Met358Val; replaces methionine 358 with valine.
Molecular consequence: missense variant.
Genome position (GRCh38, 1-based): chr8:69,755,610, T>C on the plus strand (A>G on the coding strand, the complement: SLCO5A1 is on the minus strand). VCF-style: chr8-69755610-T-C. GRCh37 (hg19) VCF-style: chr8-70667845-T-C.
Other names: c.1072A>G, p.Met358Val (NM_001146008.2, NM_001146009.1); c.1072A>G (NM_030958.2); short protein forms M358V.
Identifiers: ClinVar variation 1590621 (VCV001590621.17), dbSNP rs34036248, ClinGen allele CA4776655.